The following is an entry in ClinVar:

ClinVar aggregate classification (germline): Benign/Likely benign. Review status: criteria provided, multiple submitters, no conflicts (2 of 4 stars). 3 submissions from 3 submitters: Benign (1); Likely benign (2). Last evaluated 2026-07-01.

Conditions:
Familial thoracic aortic aneurysm and aortic dissection (TAAD). Also called: Thoracic aortic aneurysms and dissections. Identifiers: Orphanet 91387, MedGen C4707243, MONDO:0019625.
Adams-Oliver syndrome 5 (AOS5). Identifiers: Orphanet 974, MedGen C4014970, MONDO:0014459, OMIM 616028.

Allele frequency attached by ClinVar (database versions not stated): gnomAD 0.00001 and 0.00003; gnomAD exomes 0.00001 and 0.00002; ExAC 0.00002; TOPMed 0.00002; 1000 Genomes Project 30x 0.00031; 1000 Genomes Project 0.00040.

Submissions (3):

CeGaT Center for Human Genetics Tuebingen
Classification: Likely benign. Last evaluated: 2026-07-01. Review status: criteria provided, single submitter. Criteria: CeGaT Center For Human Genetics Tuebingen Variant Classification Criteria Version 2. Collection method: clinical testing. Allele origin: germline. Affected: yes. Observed: 1 variant allele.
Comment: NOTCH1: BP4, BP7

Labcorp Genetics (formerly Invitae), Labcorp
Classification: Benign for Adams-Oliver syndrome 5. Last evaluated: 2025-10-14. Review status: criteria provided, single submitter. Criteria: Invitae Variant Classification Sherloc (09022015). Collection method: clinical testing. Allele origin: germline.

Ambry Genetics
Classification: Likely benign for Familial thoracic aortic aneurysm and aortic dissection. Last evaluated: 2024-05-25. Review status: criteria provided, single submitter. Criteria: Ambry Variant Classification Scheme 2023. Collection method: clinical testing. Allele origin: germline.

NM_017617.5(NOTCH1):c.3363C>G (p.Leu1121=)

Gene: NOTCH1 (notch receptor 1; minus strand). Cytogenetic location: 9q34.3.
Variant type: single nucleotide variant.
Coding change: c.3363C>G on transcript NM_017617.5 (MANE Select); coding-DNA position 3363, C replaced by G.
Protein change: p.Leu1121=; no amino-acid change (leucine 1121 retained).
Molecular consequence: synonymous variant.
Genome position (GRCh38, 1-based): chr9:136,508,102, G>C on the plus strand (C>G on the coding strand, the complement: NOTCH1 is on the minus strand). VCF-style: chr9-136508102-G-C. GRCh37 (hg19) VCF-style: chr9-139402554-G-C.
Identifiers: ClinVar variation 938733 (VCV000938733.12), dbSNP rs534486656, ClinGen allele CA5340944.